The following is an entry in ClinVar:

NC_000007.14:g.128775723C>G

Gene: OPN1SW (opsin 1, short wave sensitive; minus strand). Cytogenetic location: 7q32.1.
Variant type: single nucleotide variant.
Genome position: GRCh38 VCF-style: chr7-128775723-C-G. GRCh37 (hg19) VCF-style: chr7-128415777-C-G.
Other names: NM_001708.2:c.68G>C.
Identifiers: ClinVar variation 847538 (VCV000847538.9), dbSNP rs1801750498, ClinGen allele CA369222914.

ClinVar aggregate classification (germline): Uncertain significance (1 of 4 stars; one submission).

Submission:

Labcorp Genetics (formerly Invitae), Labcorp
Classification: Uncertain significance. Last evaluated: 2020-02-11. Review status: criteria provided, single submitter. Criteria: Invitae Variant Classification Sherloc (09022015). Collection method: clinical testing. Allele origin: germline.
Comment: In summary, the available evidence is currently insufficient to determine the role of this variant in disease. Therefore, it has been classified as a Variant of Uncertain Significance. Algorithms developed to predict the effect of missense changes on protein structure and function (SIFT, PolyPhen-2, Align-GVGD) all suggest that this variant is likely to be disruptive, but these predictions have not been confirmed by published functional studies and their clinical significance is uncertain. This variant has not been reported in the literature in individuals with OPN1SW-related conditions. This variant is not present in population databases (ExAC no frequency). This sequence change replaces glycine with alanine at codon 23 of the OPN1SW protein (p.Gly23Ala). The glycine residue is highly conserved and there is a small physicochemical difference between glycine and alanine.